The following is an entry in ClinVar:

NM_006282.5(STK4):c.387A>G (p.Ile129Met)

Gene: STK4 (serine/threonine kinase 4; plus strand). Cytogenetic location: 20q13.12.
Variant type: single nucleotide variant.
Coding change: c.387A>G on transcript NM_006282.5 (MANE Select); coding-DNA position 387, A replaced by G.
Protein change: p.Ile129Met; replaces isoleucine 129 with methionine.
Molecular consequence: missense variant.
Genome position (GRCh38, 1-based): chr20:44,987,158, A>G. VCF-style: chr20-44987158-A-G. GRCh37 (hg19) VCF-style: chr20-43615799-A-G.
Other names: c.387A>G, p.Ile129Met (NM_001352385.2); c.387A>G (NM_006282.2); short protein forms I129M.
Identifiers: ClinVar variation 540522 (VCV000540522.6), dbSNP rs371332575, ClinGen allele CA9873798.

ClinVar aggregate classification (germline): Uncertain significance. Review status: criteria provided, multiple submitters, no conflicts (2 of 4 stars). 2 submissions from 2 submitters: Uncertain significance (2). Last evaluated 2025-10-02.

Conditions:
Combined immunodeficiency due to STK4 deficiency (IMD110). Also called: T-cell immunodeficiency, recurrent infections, and autoimmunity with or without cardiac malformations; STK4 DEFICIENCY; MST1 DEFICIENCY. Identifiers: Orphanet 314689, MedGen C3553943, MONDO:0013934, OMIM 614868.
Inborn genetic diseases. Identifiers: MedGen C0950123, MeSH D030342.

Allele frequency attached by ClinVar (database versions not stated): gnomAD 0.00003; ExAC 0.00002; gnomAD exomes 0.00003 and 0.00002; TOPMed 0.00003; ESP Exome Variant Server 0.00008.
gnomAD v4.1: 53 of 1,602,074 alleles (0.0033%); highest among the groups gnomAD compares: South Asian, 0.0079%; no homozygotes.

Submissions (2):

Ambry Genetics
Classification: Uncertain significance for Inborn genetic diseases. Last evaluated: 2025-10-02. Review status: criteria provided, single submitter. Criteria: Ambry Variant Classification Scheme 2023. Collection method: clinical testing. Allele origin: germline.

Labcorp Genetics (formerly Invitae), Labcorp
Classification: Uncertain significance for Combined immunodeficiency due to STK4 deficiency. Last evaluated: 2025-01-15. Review status: criteria provided, single submitter. Criteria: Invitae Variant Classification Sherloc (09022015). Collection method: clinical testing. Allele origin: germline.
Comment: This sequence change replaces isoleucine, which is neutral and non-polar, with methionine, which is neutral and non-polar, at codon 129 of the STK4 protein (p.Ile129Met). This variant is present in population databases (rs371332575, gnomAD 0.003%). This variant has not been reported in the literature in individuals affected with STK4-related conditions. ClinVar contains an entry for this variant (Variation ID: 540522). Invitae Evidence Modeling of protein sequence and biophysical properties (such as structural, functional, and spatial information, amino acid conservation, physicochemical variation, residue mobility, and thermodynamic stability) indicates that this missense variant is not expected to disrupt STK4 protein function with a negative predictive value of 95%. In summary, the available evidence is currently insufficient to determine the role of this variant in disease. Therefore, it has been classified as a Variant of Uncertain Significance.